The following is an entry in ClinVar:

NM_130849.4(SLC39A4):c.948del (p.Val317fs)

Gene: SLC39A4 (solute carrier family 39 member 4; minus strand). Cytogenetic location: 8q24.3.
Variant type: Deletion.
Coding change: c.948del on transcript NM_130849.4 (MANE Select); coding-DNA position 948, one base deleted (C; older notation c.948delC).
Protein change: p.Val317fs; shifts the reading frame from valine 317.
Molecular consequence: frameshift variant.
Genome position (GRCh38, 1-based): chr8:144,414,753, G deleted on the plus strand (C on the coding strand, the reverse complement: SLC39A4 is on the minus strand); the first of 6 consecutive G bases (chr8:144,414,753-144,414,758); deleting any one gives the same sequence. VCF-style (leftmost placement, unchanged base first): chr8-144414752-CG-C. GRCh37 (hg19) VCF-style: chr8-145640136-CG-C.
Other names: c.666del, p.Val223fs (NM_001374839.1); c.873del, p.Val292fs (NM_017767.3); short protein forms V223fs, V292fs, V317fs.
Identifiers: ClinVar variation 1393732 (VCV001393732.6), dbSNP rs1564709234, ClinGen allele CA2573143012.

ClinVar aggregate classification (germline): Pathogenic (1 of 4 stars; one submission).

Submission:

Labcorp Genetics (formerly Invitae), Labcorp
Classification: Pathogenic. Last evaluated: 2021-12-13. Review status: criteria provided, single submitter. Criteria: Invitae Variant Classification Sherloc (09022015). Collection method: clinical testing. Allele origin: germline.
Comment: For these reasons, this variant has been classified as Pathogenic. This variant has not been reported in the literature in individuals affected with SLC39A4-related conditions. This variant is not present in population databases (gnomAD no frequency). This sequence change creates a premature translational stop signal (p.Val317Serfs*32) in the SLC39A4 gene. It is expected to result in an absent or disrupted protein product. Loss-of-function variants in SLC39A4 are known to be pathogenic (PMID: 12955721).

Literature cited by the submitters: PubMed 12955721.